The following is an entry in ClinVar:

NM_001567.4(INPPL1):c.3592G>A (p.Glu1198Lys)

Gene: INPPL1 (inositol polyphosphate phosphatase like 1; plus strand). Cytogenetic location: 11q13.4.
Variant type: single nucleotide variant.
Coding change: c.3592G>A on transcript NM_001567.4 (MANE Select); coding-DNA position 3592, G replaced by A.
Protein change: p.Glu1198Lys; replaces glutamic acid 1198 with lysine.
Molecular consequence: missense variant.
Genome position (GRCh38, 1-based): chr11:72,238,081, G>A. VCF-style: chr11-72238081-G-A. GRCh37 (hg19) VCF-style: chr11-71949125-G-A.
Other names: c.3592G>A (NM_001567.3); short protein forms E1198K.
Identifiers: ClinVar variation 1509522 (VCV001509522.7), dbSNP rs745724027, ClinGen allele CA6170708.

ClinVar aggregate classification (germline): Uncertain significance. Review status: criteria provided, multiple submitters, no conflicts (2 of 4 stars). 2 submissions from 2 submitters: Uncertain significance (2). Last evaluated 2025-11-10.

Conditions:
Inborn genetic diseases. Identifiers: MedGen C0950123, MeSH D030342.

Allele frequency attached by ClinVar (database versions not stated): gnomAD 0.00001; gnomAD exomes 0.00001 and 0.00006; TOPMed 0.00001; ExAC 0.00009.
gnomAD v4.1: 15 of 1,575,594 alleles (0.00095%); highest among the groups gnomAD compares: East Asian, 0.011%; no homozygotes.

Submissions (2):

Labcorp Genetics (formerly Invitae), Labcorp
Classification: Uncertain significance. Last evaluated: 2025-11-10. Review status: criteria provided, single submitter. Criteria: Invitae Variant Classification Sherloc (09022015). Collection method: clinical testing. Allele origin: germline.
Comment: This sequence change replaces glutamic acid, which is acidic and polar, with lysine, which is basic and polar, at codon 1198 of the INPPL1 protein (p.Glu1198Lys). This variant is present in population databases (rs745724027, gnomAD 0.06%). This variant has not been reported in the literature in individuals affected with INPPL1-related conditions. ClinVar contains an entry for this variant (Variation ID: 1509522). An algorithm developed to predict the effect of missense changes on protein structure and function (PolyPhen-2) suggests that this variant is likely to be tolerated. In summary, the available evidence is currently insufficient to determine the role of this variant in disease. Therefore, it has been classified as a Variant of Uncertain Significance.

Ambry Genetics
Classification: Uncertain significance for Inborn genetic diseases. Last evaluated: 2025-06-07. Review status: criteria provided, single submitter. Criteria: Ambry Variant Classification Scheme 2023. Collection method: clinical testing. Allele origin: germline.